The following is an entry in ClinVar:

ClinVar aggregate classification (germline): Uncertain significance (1 of 4 stars; one submission).

Submission:

GeneDx
Classification: Uncertain significance. Last evaluated: 2019-10-06. Review status: criteria provided, single submitter. Criteria: GeneDx Variant Classification Process June 2021. Collection method: clinical testing. Allele origin: germline. Affected: yes.
Comment: Not observed in large population cohorts (Lek et al., 2016); In silico analysis, which includes protein predictors and evolutionary conservation, supports that this variant does not alter protein structure/function; Has not been previously published as pathogenic or benign to our knowledge

NM_000701.8(ATP1A1):c.176T>C (p.Leu59Ser)

Gene: ATP1A1 (ATPase Na+/K+ transporting subunit alpha 1; plus strand). Cytogenetic location: 1p13.1.
Variant type: single nucleotide variant.
Coding change: c.176T>C on transcript NM_000701.8 (MANE Select); coding-DNA position 176, T replaced by C.
Protein change: p.Leu59Ser; replaces leucine 59 with serine.
Molecular consequence: missense variant.
Genome position (GRCh38, 1-based): chr1:116,384,835, T>C. VCF-style: chr1-116384835-T-C. GRCh37 (hg19) VCF-style: chr1-116927457-T-C.
Other names: c.176T>C, p.Leu59Ser (NM_001160233.2); c.83T>C, p.Leu28Ser (NM_001160234.2); short protein forms L28S, L59S.
Identifiers: ClinVar variation 1308958 (VCV001308958.2), dbSNP rs2101038960, ClinGen allele CA341840555.